The following is an entry in ClinVar:

NM_001987.5(ETV6):c.683A>G (p.Asn228Ser)

Gene: ETV6 (ETS variant transcription factor 6; plus strand). Cytogenetic location: 12p13.2.
Variant type: single nucleotide variant.
Coding change: c.683A>G on transcript NM_001987.5 (MANE Select); coding-DNA position 683, A replaced by G.
Protein change: p.Asn228Ser; replaces asparagine 228 with serine.
Molecular consequence: missense variant.
Genome position (GRCh38, 1-based): chr12:11,869,643, A>G. VCF-style: chr12-11869643-A-G. GRCh37 (hg19) VCF-style: chr12-12022577-A-G.
Other names: c.680A>G, p.Asn227Ser (NM_001413913.1); c.656A>G, p.Asn219Ser (NM_001413914.1); c.419A>G, p.Asn140Ser (NM_001413915.1); c.683A>G, p.Asn228Ser (NM_001413916.1, NM_001413917.1); short protein forms N227S, N140S, N219S, N228S.
Identifiers: ClinVar variation 4618890 (VCV004618890.1).
Genomic context (GRCh38, chr12:11,869,643, plus strand): 5'-TGATCCGCCGCCTCTCCCCGGCTGAGAGAGCTCAGGGACCCAGGCCGCACCAGGAGAACA[A>G]CCACCAGGAGTCCTACCCTCTGTCAGTGTCTCCCATGGAGAATAATCACTGCCCAGCGTC-3'
Protein context (NP_001978.1, residues 218-238): AQGPRPHQEN[Asn228Ser]HQESYPLSVS

ClinVar aggregate classification (germline): Uncertain significance (1 of 4 stars; one submission).

Conditions:
Inborn genetic diseases. Identifiers: MedGen C0950123, MeSH D030342.

gnomAD v4.1: 1 of 1,614,134 alleles (0.000062%); highest among the groups gnomAD compares: Admixed American, 0.0017%; no homozygotes.

Submission:

Ambry Genetics
Classification: Uncertain significance for Inborn genetic diseases. Last evaluated: 2025-12-12. Review status: criteria provided, single submitter. Criteria: Ambry Variant Classification Scheme 2023. Collection method: clinical testing. Allele origin: germline.
Comment: The p.N228S variant (also known as c.683A>G), located in coding exon 5 of the ETV6 gene, results from an A to G substitution at nucleotide position 683. The asparagine at codon 228 is replaced by serine, an amino acid with highly similar properties. This amino acid position is conserved. In addition, this alteration is predicted to be tolerated by in silico analysis. Based on the available evidence, the clinical significance of this variant remains unclear.